The following is an entry in ClinVar:

ClinVar aggregate classification (germline): Likely pathogenic (1 of 4 stars; one submission).

Submission:

ARUP Laboratories, Molecular Genetics and Genomics, ARUP Laboratories
Classification: Likely pathogenic. Last evaluated: 2025-06-27. Review status: criteria provided, single submitter. Criteria: ARUP Molecular Germline Variant Investigation Process 2024. Collection method: clinical testing. Allele origin: germline.
Comment: The SPTB c.763+1G>A variant is reported in the literature in an individual affected with hemolytic anemia (Wang 2018). This variant is absent from the Genome Aggregation Database (v2.1.1), indicating it is not a common polymorphism. This variant disrupts the canonical splice donor site of intron 7, which is likely to negatively impact gene function. Based on available information, this variant is considered to be likely pathogenic. References: Wang R et al. Exome sequencing confirms molecular diagnoses in 38 Chinese families with hereditary spherocytosis. Sci China Life Sci. 2018 Aug;61(8):947-953. PMID: 29572776.

NM_001355436.2(SPTB):c.763+1G>A

Gene: SPTB (spectrin beta, erythrocytic; minus strand). Cytogenetic location: 14q23.3.
Variant type: single nucleotide variant.
Coding change: c.763+1G>A on transcript NM_001355436.2 (MANE Select); the canonical splice donor site of the intron after coding-DNA position 763, G replaced by A.
Molecular consequence: splice donor variant.
Genome position (GRCh38, 1-based): chr14:64,801,284, C>T on the plus strand (G>A on the coding strand, the complement: SPTB is on the minus strand). VCF-style: chr14-64801284-C-T. GRCh37 (hg19) VCF-style: chr14-65268002-C-T.
Other names: c.763+1G>A (NM_001024858.4, NM_001355437.2).
Identifiers: ClinVar variation 3766889 (VCV003766889.2).
Genomic context (GRCh38, chr14:64,801,284, plus strand): 5'-AGCACAGCGAGTGCATCCCCCACTGCTGCAGCAAAGGCTGGCAGGGGTGGGTGTGGCTCA[C>T]CTTCGGGGTCGAGGAGCGGGATGATGCCCAGCTGGCGCTCAGCCACATTGAATGCGTGCT-3'